The following is an entry in ClinVar:

NM_006755.2(TALDO1):c.462-36_462-6del

Genes: TALDO1 (transaldolase 1; plus strand), LOC126861110 (CDK7 strongly-dependent group 2 enhancer GRCh37_chr11:762588-763787; plus strand). Cytogenetic location: 11p15.5.
Variant type: Deletion.
Coding change: c.462-36_462-6del on transcript NM_006755.2 (MANE Select); 36 bases into the intron before coding-DNA position 462 through 6 bases into the intron before coding-DNA position 462, 31 bases deleted.
Molecular consequence: intron variant.
Genome position (GRCh38, 1-based): chr11:763,308-763,338, 31 bases deleted; deleting any 31 consecutive bases within chr11:763,284-763,338 gives the same sequence; the c. name uses the placement nearest the transcript's 3' end. GRCh37 (hg19): chr11:763,308-763,338.
Identifiers: ClinVar variation 3350274 (VCV003350274.1).
Genomic context (GRCh38, chr11:763,283, plus strand): 5'-CCGCCCTCACCCGCCCCCGCCCTCACCCATCCCCGCCCTCACCGTCCCCGCCCTCACCCG[CCCCCGCCCTCACCTGTCCCCGCCCTCACCTG>C]CCCCGCCCTCACCTGTCCCCGCCCCGCAGGGAGCTCGAGGAGCAGCACGGCATCCACTGC-3'

ClinVar aggregate classification (germline): Benign (0 of 4 stars; one submission).

Conditions:
TALDO1-related disorder. Also called: TALDO1-related condition.

Submission:

PreventionGenetics, part of Exact Sciences
Classification: Benign for TALDO1-related condition. Last evaluated: 2024-05-22. Review status: no assertion criteria provided. Collection method: clinical testing. Allele origin: germline.
Comment: This variant is classified as benign based on ACMG/AMP sequence variant interpretation guidelines (Richards et al. 2015 PMID: 25741868, with internal and published modifications).